The following is an entry in ClinVar:

ClinVar aggregate classification (germline): Uncertain significance (1 of 4 stars; one submission).

Conditions:
Adams-Oliver syndrome 5 (AOS5). Identifiers: Orphanet 974, MedGen C4014970, MONDO:0014459, OMIM 616028.

gnomAD v4.1: 3 of 1,609,406 alleles (0.00019%); highest among the groups gnomAD compares: South Asian, 0.0033%; no homozygotes.

Submission:

Labcorp Genetics (formerly Invitae), Labcorp
Classification: Uncertain significance for Adams-Oliver syndrome 5. Last evaluated: 2025-12-25. Review status: criteria provided, single submitter. Criteria: Invitae Variant Classification Sherloc (09022015). Collection method: clinical testing. Allele origin: germline.
Comment: This sequence change affects codon 2119 of the NOTCH1 mRNA. It is a 'silent' change, meaning that it does not change the encoded amino acid sequence of the NOTCH1 protein. This variant is not present in population databases (gnomAD no frequency). This variant has not been reported in the literature in individuals affected with NOTCH1-related conditions. Algorithms developed to predict the effect of sequence changes on RNA splicing suggest that this variant may create or strengthen a splice site. In summary, the available evidence is currently insufficient to determine the role of this variant in disease. Therefore, it has been classified as a Variant of Uncertain Significance.

NM_017617.5(NOTCH1):c.6357G>A (p.Val2119=)

Gene: NOTCH1 (notch receptor 1; minus strand). Cytogenetic location: 9q34.3.
Variant type: single nucleotide variant.
Coding change: c.6357G>A on transcript NM_017617.5 (MANE Select); coding-DNA position 6357, G replaced by A.
Protein change: p.Val2119=; no amino-acid change (valine 2119 retained).
Molecular consequence: synonymous variant.
Genome position (GRCh38, 1-based): chr9:136,497,382, C>T on the plus strand (G>A on the coding strand, the complement: NOTCH1 is on the minus strand). VCF-style: chr9-136497382-C-T. GRCh37 (hg19) VCF-style: chr9-139391834-C-T.
Identifiers: ClinVar variation 4769776 (VCV004769776.1).